The following is an entry in ClinVar:

ClinVar aggregate classification (germline): Uncertain significance (1 of 4 stars; one submission).

Conditions:
Epileptic encephalopathy. Identifiers: MedGen C0543888, HP:0200134.

Allele frequency attached by ClinVar (database versions not stated): TOPMed 0.00001.
gnomAD v4.1: 11 of 1,610,258 alleles (0.00068%); highest among the groups gnomAD compares: African/African-American, 0.0013%; no homozygotes.

Submission:

Labcorp Genetics (formerly Invitae), Labcorp
Classification: Uncertain significance for Epileptic encephalopathy. Last evaluated: 2022-07-05. Review status: criteria provided, single submitter. Criteria: Invitae Variant Classification Sherloc (09022015). Collection method: clinical testing. Allele origin: germline.
Comment: This sequence change replaces alanine, which is neutral and non-polar, with proline, which is neutral and non-polar, at codon 1579 of the RYR3 protein (p.Ala1579Pro). This variant is present in population databases (rs202160360, gnomAD 0.003%). This variant has not been reported in the literature in individuals affected with RYR3-related conditions. ClinVar contains an entry for this variant (Variation ID: 949083). Algorithms developed to predict the effect of missense changes on protein structure and function are either unavailable or do not agree on the potential impact of this missense change (SIFT: "Deleterious"; PolyPhen-2: "Probably Damaging"; Align-GVGD: "Class C0"). In summary, the available evidence is currently insufficient to determine the role of this variant in disease. Therefore, it has been classified as a Variant of Uncertain Significance.

NM_001036.6(RYR3):c.4735G>C (p.Ala1579Pro)

Gene: RYR3 (ryanodine receptor 3; plus strand). Cytogenetic location: 15q14.
Variant type: single nucleotide variant.
Coding change: c.4735G>C on transcript NM_001036.6 (MANE Select); coding-DNA position 4735, G replaced by C.
Protein change: p.Ala1579Pro; replaces alanine 1579 with proline.
Molecular consequence: missense variant.
Genome position (GRCh38, 1-based): chr15:33,662,265, G>C. VCF-style: chr15-33662265-G-C. GRCh37 (hg19) VCF-style: chr15-33954466-G-C.
Other names: c.4735G>C, p.Ala1579Pro (NM_001243996.4); short protein forms A1579P.
Identifiers: ClinVar variation 949083 (VCV000949083.9), dbSNP rs202160360, ClinGen allele CA7459104.